The following is an entry in ClinVar:

NM_001039876.3(SYNE4):c.834G>C (p.Gln278His)

Gene: SYNE4 (spectrin repeat containing nuclear envelope family member 4; minus strand). Cytogenetic location: 19q13.12.
Variant type: single nucleotide variant.
Coding change: c.834G>C on transcript NM_001039876.3 (MANE Select); coding-DNA position 834, G replaced by C.
Protein change: p.Gln278His; replaces glutamine 278 with histidine.
Molecular consequence: missense variant.
Genome position (GRCh38, 1-based): chr19:36,006,456, C>G on the plus strand (G>C on the coding strand, the complement: SYNE4 is on the minus strand). VCF-style: chr19-36006456-C-G. GRCh37 (hg19) VCF-style: chr19-36497358-C-G.
Other names: c.495G>C, p.Gln165His (NM_001297735.3); short protein forms Q278H, Q165H.
Identifiers: ClinVar variation 227091 (VCV000227091.17), dbSNP rs2285422, ClinGen allele CA9393840.

ClinVar aggregate classification (germline): Benign. Review status: criteria provided, multiple submitters, no conflicts (2 of 4 stars). 6 submissions from 6 submitters: Benign (6). Last evaluated 2026-02-04.

Conditions:
Autosomal recessive nonsyndromic hearing loss 76. Also called: Deafness, autosomal recessive 76. Identifiers: Orphanet 90636, MedGen C3147083, MONDO:0014237, OMIM 615540.

Allele frequency attached by ClinVar (database versions not stated): 1000 Genomes Project 0.91274; 1000 Genomes Project 30x 0.91833; gnomAD exomes 0.92675 and 0.93916; ExAC 0.92738; gnomAD 0.95053 and 0.95594; TOPMed 0.95315; ESP Exome Variant Server 0.96394.
gnomAD v4.1: 1,515,766 of 1,612,406 alleles (94%); highest among the groups gnomAD compares: African/African-American, 99%; 713,595 homozygotes.

Submissions (6):

Labcorp Genetics (formerly Invitae), Labcorp
Classification: Benign. Last evaluated: 2026-02-04. Review status: criteria provided, single submitter. Criteria: Invitae Variant Classification Sherloc (09022015). Collection method: clinical testing. Allele origin: germline.

Genome-Nilou Lab
Classification: Benign for Autosomal recessive nonsyndromic hearing loss 76. Last evaluated: 2021-07-15. Review status: criteria provided, single submitter. Criteria: ACMG Guidelines, 2015. Collection method: clinical testing. Allele origin: germline. Affected: no.

Mayo Clinic Laboratories, Mayo Clinic
Classification: Benign. Last evaluated: 2020-07-02. Review status: criteria provided, single submitter. Criteria: ACMG Guidelines, 2015. Collection method: clinical testing. Allele origin: germline. Observed: 158 variant alleles.

GeneDx
Classification: Benign. Last evaluated: 2017-05-09. Review status: criteria provided, single submitter. Criteria: GeneDx Variant Classification (06012015). Collection method: clinical testing. Allele origin: germline. Affected: yes.
Comment: This variant is considered likely benign or benign based on one or more of the following criteria: it is a conservative change, it occurs at a poorly conserved position in the protein, it is predicted to be benign by multiple in silico algorithms, and/or has population frequency not consistent with disease.

Laboratory for Molecular Medicine, Mass General Brigham Personalized Medicine
Classification: Benign. Last evaluated: 2014-11-24. Review status: criteria provided, single submitter. Criteria: LMM Criteria. Collection method: clinical testing. Allele origin: germline. Observed: 1,021 variant alleles.
Comment: Gln278His in exon 5 of SYNE4: This variant is not expected to have clinical sign ificance because it has been identified in 4.9% (402/8232) of European American chromosomes from a broad population by the NHLBI Exome Sequencing Project (dbSNP rs2285422).

Breakthrough Genomics
Classification: Benign. Review status: criteria provided, single submitter. Criteria: ACMG Guidelines, 2015. Collection method: not provided. Allele origin: germline. Inheritance: Autosomal recessive inheritance. Affected: yes.